The following is an entry in ClinVar:

NC_000002.11:g.(?_189852801)_(189855789_?)dup

Gene: COL3A1 (collagen type III alpha 1 chain; plus strand). Cytogenetic location: 2q32.2.
Variant type: Duplication.
Identifiers: ClinVar variation 1067293 (VCV001067293.3).

ClinVar aggregate classification (germline): Likely pathogenic (1 of 4 stars; one submission).

Conditions:
Ehlers-Danlos syndrome, type 4 (EDSVASC). Also called: Ehlers-Danlos syndrome vascular type; Ehlers Danlos syndrome, ecchymotic type; Ehlers Danlos syndrome, arterial type; Ehlers Danlos syndrome, Sack-Barabas type; Ehlers-Danlos Syndrome Type IV. Identifiers: Orphanet 286, MedGen C0268338, MONDO:0017314, OMIM 130050.

Submission:

Labcorp Genetics (formerly Invitae), Labcorp
Classification: Likely pathogenic for Ehlers-Danlos syndrome, type 4. Last evaluated: 2022-11-01. Review status: criteria provided, single submitter. Criteria: Invitae Variant Classification Sherloc (09022015). Collection method: clinical testing. Allele origin: germline.
Comment: In summary, the currently available evidence indicates that the variant is pathogenic, but additional data are needed to prove that conclusively. Therefore, this variant has been classified as Likely Pathogenic. This variant has not been reported in the literature in individuals affected with COL3A1-related conditions. This variant results in a copy number gain of the genomic region encompassing exon(s) 6-11 of the COL3A1 gene. While the exact position of this variant cannot be determined from the data, sub-genic copy number gains are generally in tandem (PMID: 25640679). This variant is predicted to be in-frame, and likely preserves the integrity of the reading frame.

Literature cited by the submitters: PubMed 25640679.